The following is an entry in ClinVar:

ClinVar aggregate classification (germline): Benign. Review status: criteria provided, multiple submitters, no conflicts (2 of 4 stars). 10 submissions from 10 submitters: Benign (8). 2 of the submissions do not count toward it. Last evaluated 2026-02-04.

Conditions:
Diabetes insipidus, nephrogenic, X-linked. Also called: Nephrogenic Diabetes Insipidus, Type I. Identifiers: Orphanet 223, MedGen C1563705, MONDO:0010581, OMIM 304800.

Allele frequency attached by ClinVar (database versions not stated): gnomAD exomes 0.02944 and 0.04917; ExAC 0.05085; gnomAD 0.07057 and 0.07296; 1000 Genomes Project 0.07285; 1000 Genomes Project 30x 0.07326; ESP Exome Variant Server 0.07810; TOPMed 0.07947.

Submissions (10):

Labcorp Genetics (formerly Invitae), Labcorp
Classification: Benign. Last evaluated: 2026-02-04. Review status: criteria provided, single submitter. Criteria: Invitae Variant Classification Sherloc (09022015). Collection method: clinical testing. Allele origin: germline.

Blueprint Genetics
Classification: Benign. Last evaluated: 2024-11-28. Review status: criteria provided, single submitter. Criteria: ACMG Guidelines, 2015. Collection method: clinical testing. Allele origin: germline.

Mayo Clinic Laboratories, Mayo Clinic
Classification: Benign. Last evaluated: 2023-04-03. Review status: criteria provided, single submitter. Criteria: ACMG Guidelines, 2015. Collection method: clinical testing. Allele origin: germline. Observed: 15 variant alleles.

GeneDx
Classification: Benign. Last evaluated: 2021-05-04. Review status: criteria provided, single submitter. Criteria: GeneDx Variant Classification Process June 2021. Collection method: clinical testing. Allele origin: germline. Affected: yes.

Athena Diagnostics
Classification: Benign. Last evaluated: 2018-03-08. Review status: criteria provided, single submitter. Criteria: Athena Diagnostics Criteria. Collection method: clinical testing. Allele origin: germline.

Illumina Laboratory Services, Illumina
Classification: Benign for Diabetes insipidus, nephrogenic, X-linked. Last evaluated: 2018-01-12. Review status: criteria provided, single submitter. Criteria: ICSL Variant Classification Criteria 13 December 2019. Collection method: clinical testing. Allele origin: germline.
Comment: This variant was observed in the ICSL laboratory as part of a predisposition screen in an ostensibly healthy population. It had not been previously curated by ICSL or reported in the Human Gene Mutation Database (HGMD: prior to June 1st, 2018), and was therefore a candidate for classification through an automated scoring system. Utilizing variant allele frequency, disease prevalence and penetrance estimates, and inheritance mode, an automated score was calculated to assess if this variant is too frequent to cause the disease. Based on the score and internal cut-off values, a variant classified as benign is not then subjected to further curation. The score for this variant resulted in a classification of benign for this disease.

Breakthrough Genomics
Classification: Benign. Review status: criteria provided, single submitter. Criteria: ACMG Guidelines, 2015. Collection method: not provided. Allele origin: germline. Inheritance: X-linked inheritance. Affected: yes.

PreventionGenetics, part of Exact Sciences
Classification: Benign. Review status: criteria provided, single submitter. Criteria: ACMG Guidelines, 2015. Collection method: clinical testing. Allele origin: germline.

Genome Diagnostics Laboratory, University Medical Center Utrecht
Classification: Benign. Review status: no assertion criteria provided. Collection method: clinical testing. Allele origin: germline. Affected: yes. Study: VKGL Data-share Consensus. Not counted in ClinVar's aggregate classification.

Joint Genome Diagnostic Labs from Nijmegen and Maastricht, Radboudumc and MUMC+
Classification: Benign. Review status: no assertion criteria provided. Collection method: clinical testing. Allele origin: germline. Affected: yes. Study: VKGL Data-share Consensus. Not counted in ClinVar's aggregate classification.

NM_000054.7(AVPR2):c.993C>T (p.Ser331=)

Gene: AVPR2 (arginine vasopressin receptor 2; plus strand). Cytogenetic location: Xq28.
Variant type: single nucleotide variant.
Coding change: c.993C>T on transcript NM_000054.7 (MANE Select); coding-DNA position 993, C replaced by T.
Protein change: p.Ser331=; no amino-acid change (serine 331 retained).
Molecular consequence: synonymous variant. On other transcripts: 3 prime UTR variant (1), non-coding transcript variant (1).
Genome position (GRCh38, 1-based): chrX:153,906,605, C>T. VCF-style: chrX-153906605-C-T. GRCh37 (hg19) VCF-style: chrX-153172059-C-T.
Other names: p.Ser331=; c.993C>T (NM_000054.6); c.*169C>T (NM_001146151.3).
Identifiers: ClinVar variation 254776 (VCV000254776.21), dbSNP rs5202, ClinGen allele CA10555117.